The following is an entry in ClinVar:

NM_004525.3(LRP2):c.3888C>T (p.Cys1296=)

Gene: LRP2 (LDL receptor related protein 2; minus strand). Cytogenetic location: 2q31.1.
Variant type: single nucleotide variant.
Coding change: c.3888C>T on transcript NM_004525.3 (MANE Select); coding-DNA position 3888, C replaced by T.
Protein change: p.Cys1296=; no amino-acid change (cysteine 1296 retained).
Molecular consequence: synonymous variant.
Genome position (GRCh38, 1-based): chr2:169,241,145, G>A on the plus strand (C>T on the coding strand, the complement: LRP2 is on the minus strand). VCF-style: chr2-169241145-G-A. GRCh37 (hg19) VCF-style: chr2-170097655-G-A.
Other names: c.3888C>T (NM_004525.2).
Identifiers: ClinVar variation 1151485 (VCV001151485.34), dbSNP rs138030034, ClinGen allele CA1954922.

ClinVar aggregate classification (germline): Likely benign. Review status: criteria provided, multiple submitters, no conflicts (2 of 4 stars). 5 submissions from 5 submitters: Likely benign (5). Last evaluated 2026-04-25.

Conditions:
LRP2-related disorder. Also called: LRP2-related condition.
Donnai-Barrow syndrome. Also called: DBS/FOAR SYNDROME; FACIOOCULOACOUSTICORENAL SYNDROME. Identifiers: Orphanet 2143, MedGen C1857277, MONDO:0009104, OMIM 222448.

Allele frequency attached by ClinVar (database versions not stated): ExAC 0.00008; ESP Exome Variant Server 0.00008; gnomAD exomes 0.00008; gnomAD 0.00018; TOPMed 0.00021; 1000 Genomes Project 0.00060; 1000 Genomes Project 30x 0.00094.
gnomAD v4.1: 97 of 1,614,100 alleles (0.006%); highest among the groups gnomAD compares: African/African-American, 0.049%; no homozygotes.

Submissions (5):

PreventionGenetics, part of Exact Sciences
Classification: Likely benign for LRP2-related condition. Last evaluated: 2026-04-25. Review status: criteria provided, single submitter. Criteria: ACMG Guidelines, 2015. Collection method: clinical testing. Allele origin: germline.
Comment: This variant is classified as likely benign based on ACMG/AMP sequence variant interpretation guidelines (Richards et al. 2015 PMID: 25741868, with internal and published modifications).

Labcorp Genetics (formerly Invitae), Labcorp
Classification: Likely benign. Last evaluated: 2026-01-26. Review status: criteria provided, single submitter. Criteria: Invitae Variant Classification Sherloc (09022015). Collection method: clinical testing. Allele origin: germline.

Fulgent Genetics
Classification: Likely benign for Donnai-Barrow syndrome. Last evaluated: 2024-03-13. Review status: criteria provided, single submitter. Criteria: ACMG Guidelines, 2015. Collection method: clinical testing. Allele origin: germline.

CeGaT Center for Human Genetics Tuebingen
Classification: Likely benign. Last evaluated: 2023-12-01. Review status: criteria provided, single submitter. Criteria: CeGaT Center For Human Genetics Tuebingen Variant Classification Criteria Version 2. Collection method: clinical testing. Allele origin: germline. Affected: yes. Observed: 1 variant allele.
Comment: LRP2: BP4

Blueprint Genetics
Classification: Likely benign. Last evaluated: 2023-08-31. Review status: criteria provided, single submitter. Criteria: ACMG Guidelines, 2015. Collection method: clinical testing. Allele origin: germline.